The following is an entry in ClinVar:

NM_012213.3(MLYCD):c.[*130G>T;*220A>G*286G>T*504C>A*82C>G]

Variant type: Haplotype.
Identifiers: ClinVar variation 1184302 (VCV001184302.1).

ClinVar aggregate classification (germline): Uncertain significance (1 of 4 stars; one submission).

Conditions:
Deficiency of malonyl-CoA decarboxylase. Also called: Malonic aciduria; MCD deficiency. Identifiers: Orphanet 943, MedGen C0342793, MONDO:0009556, OMIM 248360.

Submission:

New York Genome Center
Classification: Uncertain significance for Deficiency of malonyl-CoA decarboxylase. Last evaluated: 2020-07-03. Review status: criteria provided, single submitter. Criteria: NYGC Assertion Criteria 2020. Collection method: clinical testing. Allele origin: inherited. Observed: 1 compound heterozygote. Study: CSER-NYCKidSeq.
Comment: Each variant individually is found with low frequency in gnomAD(v3.0) *82C>G (54 heterozygotes, 0 homozygotes; allele frequency:3.77e-4),*130G>T (54 heterozygotes, 0 homozygotes; allele frequency:3.77e-4), *220A>G (53 heterozygotes; 0 homozygotes; allele frequency:3.70e-4), *286G>T (54 heterozygotes, 0 homozygotes; allele frequency:3.77e-4), *504C>A (54 heterozygotes, 0 homozygotes; allele frequency:3.77e-4). Both the allele frequencies of each individual variant as well as raw sequencing reads from gnomAD(v2.1.1) suggest this may be a recurrent haplotype in some of the individuals reported there. These variants are reported individually in ClinVar as Variants of Uncertain Significance (VarIDs:320743, 320744, 320748, 320750, 320755), and to our current knowledge have not been reported in affected individuals in the literature. While the nucleotide positions corresponding to the *82G>C, *130G>T, *220A>G, and *504C>A variants are not well conserved, the nucleotide position corresponding to the *286G>T variant (Chr16:83915775) is well conserved and the Transcript inferred Pathogenicity Score (TraP; v3.0) for this variant is 0.234 (>95% score-percentile) suggesting it is possibly damaging. Given the lack of compelling evidence for each individual variant or the haplotype, the inherited c.[*82C>G;*130G>T;*220A>G;*286G>T;*504C>A] variant identified in the MLYCD gene is reported as a Variant of UncertainSignificance.